The following is an entry in ClinVar:

ClinVar aggregate classification (germline): Uncertain significance (1 of 4 stars; one submission).

Conditions:
Hereditary breast ovarian cancer syndrome. Also called: Hereditary breast and ovarian cancer syndrome (HBOC); Breast and ovarian cancer; Hereditary breast and ovarian cancer syndrome; Hereditary breast and/or ovarian cancer syndrome; BRCA1- and BRCA2-Associated Hereditary Breast and Ovarian Cancer; Hereditary breast and ovarian cancer. Identifiers: Orphanet 145, MedGen C0677776, MeSH D061325, MONDO:0003582. Disease mechanism: loss of function.

Allele frequency attached by ClinVar (database versions not stated): gnomAD exomes below 0.00001.
gnomAD v4.1: 1 of 1,613,646 alleles (0.000062%); highest among the groups gnomAD compares: East Asian, 0.0022%; no homozygotes.

Submission:

Labcorp Genetics (formerly Invitae), Labcorp
Classification: Uncertain significance for Hereditary breast ovarian cancer syndrome. Last evaluated: 2020-12-04. Review status: criteria provided, single submitter. Criteria: Invitae Variant Classification Sherloc (09022015). Collection method: clinical testing. Allele origin: germline.
Comment: In summary, the available evidence is currently insufficient to determine the role of this variant in disease. Therefore, it has been classified as a Variant of Uncertain Significance. Advanced modeling of protein sequence and biophysical properties (such as structural, functional, and spatial information, amino acid conservation, physicochemical variation, residue mobility, and thermodynamic stability) performed at Invitae indicates that this missense variant is not expected to disrupt BRCA1 protein function. This variant has not been reported in the literature in individuals with BRCA1-related conditions. This variant is not present in population databases (ExAC no frequency). This sequence change replaces tyrosine with histidine at codon 1463 of the BRCA1 protein (p.Tyr1463His). The tyrosine residue is weakly conserved and there is a moderate physicochemical difference between tyrosine and histidine.

NM_007294.4(BRCA1):c.4387T>C (p.Tyr1463His)

Gene: BRCA1 (BRCA1 DNA repair associated; minus strand). Cytogenetic location: 17q21.31.
Variant type: single nucleotide variant.
Coding change: c.4387T>C on transcript NM_007294.4 (MANE Select); coding-DNA position 4387, T replaced by C.
Protein change: p.Tyr1463His; replaces tyrosine 1463 with histidine.
Molecular consequence: missense variant. On other transcripts: non-coding transcript variant (1).
Genome position (GRCh38, 1-based): chr17:43,076,585, A>G on the plus strand (T>C on the coding strand, the complement: BRCA1 is on the minus strand). VCF-style: chr17-43076585-A-G. GRCh37 (hg19) VCF-style: chr17-41228602-A-G.
Other names: c.931T>C, p.Tyr311His (NM_001408468.1, NM_001408469.1, NM_001408470.1); c.1075T>C, p.Tyr359His (NM_001408472.1, NM_001407979.1, NM_001407980.1 and 13 more transcripts); c.1072T>C, p.Tyr358His (NM_001408473.1, NM_001408392.1, NM_001408396.1 and 8 more transcripts); c.4174T>C, p.Tyr1392His (NM_001407571.1, NM_001407894.1, NM_001407895.1 and 12 more transcripts); c.4453T>C, p.Tyr1485His (NM_001407581.1, NM_001407582.1); c.4450T>C, p.Tyr1484His (NM_001407583.1, NM_001407585.1, NM_001407587.1 and 1 more transcripts); c.4447T>C, p.Tyr1483His (NM_001407590.1, NM_001407591.1); c.4387T>C, p.Tyr1463His (NM_001407593.1, NM_001407594.1, NM_001407596.1 and 8 more transcripts); and 68 more; short protein forms Y1463H, Y359H, Y1416H, Y1484H, Y1166H, Y1351H, Y1391H, Y1419H.
Identifiers: ClinVar variation 1416615 (VCV001416615.9), dbSNP rs1163509151, ClinGen allele CA10592763.